The following is an entry in ClinVar:

ClinVar aggregate classification (germline): Uncertain significance (1 of 4 stars; one submission).

Conditions:
PLXNA2-related disorder. Also called: PLXNA2-related condition.

Submission:

PreventionGenetics, part of Exact Sciences
Classification: Uncertain significance for PLXNA2-related condition. Last evaluated: 2026-06-08. Review status: criteria provided, single submitter. Criteria: ACMG Guidelines, 2015. Collection method: clinical testing. Allele origin: germline.
Comment: The PLXNA2 c.1916C>T variant is predicted to result in the amino acid substitution p.Ser639Phe. To our knowledge, this variant has not been reported in the literature or in a large population database (gnomAD), indicating this variant is rare. At this time, the clinical significance of this variant is uncertain due to the absence of conclusive functional and genetic evidence.

NM_025179.4(PLXNA2):c.1916C>T (p.Ser639Phe)

Gene: PLXNA2 (plexin A2; minus strand). Cytogenetic location: 1q32.2.
Variant type: single nucleotide variant.
Coding change: c.1916C>T on transcript NM_025179.4 (MANE Select); coding-DNA position 1916, C replaced by T.
Protein change: p.Ser639Phe; replaces serine 639 with phenylalanine.
Molecular consequence: missense variant.
Genome position (GRCh38, 1-based): chr1:208,096,095, G>A on the plus strand (C>T on the coding strand, the complement: PLXNA2 is on the minus strand). VCF-style: chr1-208096095-G-A. GRCh37 (hg19) VCF-style: chr1-208269440-G-A.
Other names: short protein forms S639F.
Identifiers: ClinVar variation 4990698 (VCV004990698.1).